The following is an entry in ClinVar:

NM_024570.4(RNASEH2B):c.134C>A (p.Ser45Ter)

Gene: RNASEH2B (ribonuclease H2 subunit B; plus strand). Cytogenetic location: 13q14.3.
Variant type: single nucleotide variant.
Coding change: c.134C>A on transcript NM_024570.4 (MANE Select); coding-DNA position 134, C replaced by A.
Protein change: p.Ser45Ter; replaces serine 45 with a stop codon.
Molecular consequence: nonsense.
Genome position (GRCh38, 1-based): chr13:50,927,476, C>A. VCF-style: chr13-50927476-C-A. GRCh37 (hg19) VCF-style: chr13-51501612-C-A.
Other names: c.134C>A, p.Ser45Ter (NM_001142279.2, NM_001411023.1); short protein forms S45*.
Identifiers: ClinVar variation 5016161 (VCV005016161.1).

ClinVar aggregate classification (germline): Pathogenic (1 of 4 stars; one submission).

Conditions:
Aicardi-Goutieres syndrome 2. Identifiers: Orphanet 51, MedGen C3489724, MONDO:0012429, OMIM 610181.

gnomAD v4.1: 1 of 1,581,888 alleles (0.000063%); highest among the groups gnomAD compares: Non-Finnish European, 0.000087%; no homozygotes.

Submission:

Myriad Genetics, Inc.
Classification: Pathogenic for Aicardi-Goutieres syndrome 2. Last evaluated: 2026-07-27. Review status: criteria provided, single submitter. Criteria: Myriad Autosomal Dominant, Autosomal Recessive and X-Linked Classification Criteria (2023). Collection method: clinical testing. Allele origin: unknown.
Comment: NM_024570.3(RNASEH2B):c.134C>A(S45*) is expected to be pathogenic in the context of Aicardi-Goutieres syndrome, RNASEH2B-related. This variant is predicted to lead to an abnormal or absent protein product due to the creation of a premature termination codon in RNASEH2B, a gene where loss-of-function variants are known to be pathogenic. Please note: this variant was assessed in the context of healthy population screening.